The following is an entry in ClinVar:

ClinVar aggregate classification (germline): Pathogenic. Review status: criteria provided, multiple submitters, no conflicts (2 of 4 stars). 3 submissions from 3 submitters: Pathogenic (3). Last evaluated 2024-07-30.

Conditions:
Primary ciliary dyskinesia. Also called: Ciliary dyskinesia. Identifiers: Orphanet 244, MedGen C0008780, MONDO:0016575, HP:0012265.
Primary ciliary dyskinesia 3. Identifiers: Orphanet 244, MedGen C1837618, MONDO:0012085, OMIM 608644.

Submissions (3):

Natera, Inc.
Classification: Pathogenic for Primary ciliary dyskinesia. Last evaluated: 2024-07-30. Review status: criteria provided, single submitter. Criteria: Natera Variant Classification Schema (03/2026). Collection method: clinical testing. Allele origin: germline.
Comment: The c.4625_4628delGAGA variant in DNAH5 is a frameshift variant predicted to shift the reading frame beginning at codon 1542 and leads to a stop codon 6 codons downstream. This variant is expected to result in nonsense mediated decay, truncation, or a dysfunctional protein product. This variant is rare in the general population with a frequency below the threshold expected for the associated phenotype(s). This variant has been observed in one or more individuals affected with the associated recessive disease, as either homozygous or compound heterozygous with a second variant (PMID: 30850195). Given the available evidence, this variant is classified as Pathogenic.

Myriad Genetics, Inc.
Classification: Pathogenic for Primary ciliary dyskinesia 3. Last evaluated: 2024-05-14. Review status: criteria provided, single submitter. Criteria: Myriad Autosomal Dominant, Autosomal Recessive and X-Linked Classification Criteria (2023). Collection method: clinical testing. Allele origin: unknown.
Comment: NM_001369.2(DNAH5):c.4625_4628delGAGA(R1542Tfs*6) is expected to be pathogenic in the context of primary ciliary dyskinesia, DNAH5-related. This variant is predicted to lead to an abnormal or absent protein product due to the creation of a premature termination codon in DNAH5, a gene where loss-of-function variants are known to be pathogenic. Please note: this variant was assessed in the context of healthy population screening.

Labcorp Genetics (formerly Invitae), Labcorp
Classification: Pathogenic for Primary ciliary dyskinesia. Last evaluated: 2023-08-23. Review status: criteria provided, single submitter. Criteria: Invitae Variant Classification Sherloc (09022015). Collection method: clinical testing. Allele origin: germline.
Comment: This variant has not been reported in the literature in individuals affected with DNAH5-related conditions. For these reasons, this variant has been classified as Pathogenic. This variant is present in population databases (rs764262032, gnomAD 0.004%). This sequence change creates a premature translational stop signal (p.Arg1542Thrfs*6) in the DNAH5 gene. It is expected to result in an absent or disrupted protein product. Loss-of-function variants in DNAH5 are known to be pathogenic (PMID: 11788826, 16627867).

Literature cited by the submitters: PubMed 30850195 (cited by Natera, Inc.); PubMed 11788826 (cited by Labcorp Genetics (formerly Invitae), Labcorp); PubMed 16627867 (cited by Labcorp Genetics (formerly Invitae), Labcorp).

NM_001369.3(DNAH5):c.4625_4628del (p.Arg1542fs)

Genes: DNAH5 (dynein axonemal heavy chain 5; minus strand), DNAH5-AS1 (DNAH5 antisense RNA 1; plus strand). Cytogenetic location: 5p15.2.
Variant type: Microsatellite.
Coding change: c.4625_4628del on transcript NM_001369.3 (MANE Select); coding-DNA positions 4625 to 4628, 4 bases deleted (GAGA; older notation c.4625_4628delGAGA).
Protein change: p.Arg1542fs; shifts the reading frame from arginine 1542.
Molecular consequence: frameshift variant.
Genome position (GRCh38, 1-based): chr5:13,862,716-13,862,719, TCTC deleted on the plus strand (GAGA on the coding strand, the reverse complement: DNAH5 is on the minus strand); deleting any 4 consecutive bases within chr5:13,862,716-13,862,724 gives the same sequence; the c. name uses the placement nearest the transcript's 3' end. VCF-style (leftmost placement, unchanged base first): chr5-13862715-GTCTC-G. GRCh37 (hg19) VCF-style: chr5-13862824-GTCTC-G.
Other names: c.4625_4628delGAGA (NM_001369.2); short protein forms R1542fs.
Identifiers: ClinVar variation 2780049 (VCV002780049.5), dbSNP rs764262032, ClinGen allele CA3203918.